The following is an entry in ClinVar:

ClinVar aggregate classification (germline): Likely benign. Review status: criteria provided, multiple submitters, no conflicts (2 of 4 stars). 4 submissions from 4 submitters: Likely benign (3). 1 of the submissions does not count toward it. Last evaluated 2026-07-01.

Conditions:
MECR-related disorder. Also called: MECR-related condition.

Allele frequency attached by ClinVar (database versions not stated): ExAC 0.00015; 1000 Genomes Project 30x 0.00016; gnomAD exomes 0.00016 and 0.00041; 1000 Genomes Project 0.00020; TOPMed 0.00022; gnomAD 0.00024 and 0.00026; ESP Exome Variant Server 0.00031.
gnomAD v4.1: 632 of 1,614,044 alleles (0.039%); highest among the groups gnomAD compares: Non-Finnish European, 0.048%; no homozygotes.

Submissions (4):

CeGaT Center for Human Genetics Tuebingen
Classification: Likely benign. Last evaluated: 2026-07-01. Review status: criteria provided, single submitter. Criteria: CeGaT Center For Human Genetics Tuebingen Variant Classification Criteria Version 2. Collection method: clinical testing. Allele origin: germline. Affected: yes. Observed: 1 variant allele.
Comment: MECR: BP4, BP7

Labcorp Genetics (formerly Invitae), Labcorp
Classification: Likely benign. Last evaluated: 2025-11-25. Review status: criteria provided, single submitter. Criteria: Invitae Variant Classification Sherloc (09022015). Collection method: clinical testing. Allele origin: germline.

Blueprint Genetics
Classification: Likely benign. Last evaluated: 2024-10-04. Review status: criteria provided, single submitter. Criteria: ACMG Guidelines, 2015. Collection method: clinical testing. Allele origin: germline.

PreventionGenetics, part of Exact Sciences
Classification: Likely benign for MECR-related condition. Last evaluated: 2019-10-21. Review status: no assertion criteria provided. Collection method: clinical testing. Allele origin: germline. Not counted in ClinVar's aggregate classification.
Comment: This variant is classified as likely benign based on ACMG/AMP sequence variant interpretation guidelines (Richards et al. 2015 PMID: 25741868, with internal and published modifications).

NM_016011.5(MECR):c.420C>T (p.Thr140=)

Gene: MECR (mitochondrial trans-2-enoyl-CoA reductase; minus strand). Cytogenetic location: 1p35.3.
Variant type: single nucleotide variant.
Coding change: c.420C>T on transcript NM_016011.5 (MANE Select); coding-DNA position 420, C replaced by T.
Protein change: p.Thr140=; no amino-acid change (threonine 140 retained).
Molecular consequence: synonymous variant. On other transcripts: non-coding transcript variant (4).
Genome position (GRCh38, 1-based): chr1:29,206,892, G>A on the plus strand (C>T on the coding strand, the complement: MECR is on the minus strand). VCF-style: chr1-29206892-G-A. GRCh37 (hg19) VCF-style: chr1-29533404-G-A.
Other names: c.192C>T, p.Thr64= (NM_001024732.4, NM_001349711.2, NM_001349712.2 and 2 more transcripts); c.525C>T, p.Thr175= (NM_001349715.2); c.504C>T, p.Thr168= (NM_001349716.2); c.270C>T, p.Thr90= (NM_001349717.2).
Identifiers: ClinVar variation 738522 (VCV000738522.12), dbSNP rs146959442, ClinGen allele CA725799.